The following is an entry in ClinVar:

ClinVar aggregate classification (germline): Likely pathogenic (1 of 4 stars; one submission).

Conditions:
Bohring-Opitz syndrome. Also called: OPITZ TRIGONOCEPHALY-LIKE SYNDROME; C-LIKE SYNDROME; BOHRING SYNDROME; ASXL1-Related Bohring-Opitz Syndrome. Identifiers: Orphanet 97297, MedGen C0796232, MONDO:0011510, OMIM 605039.

Submission:

Women's Health and Genetics/Laboratory Corporation of America, LabCorp
Classification: Likely pathogenic for C-like syndrome. Last evaluated: 2018-11-06. Review status: criteria provided, single submitter. Criteria: LabCorp Variant Classification Summary - May 2015. Collection method: clinical testing. Allele origin: germline.
Comment: Variant summary: ASXL1 c.3637delC (p.Leu1213SerfsX4) results in a premature termination codon, predicted to cause a truncation of the encoded protein or absence of the protein due to nonsense mediated decay, which are commonly known mechanisms for disease. A truncation variant downstream of this position, c.4060G>T (p.Glu1354X) has been classified as pathogenic by our laboratory. The variant was absent in 244288 control chromosomes (gnomAD). To our knowledge, no occurrence of c.3637delC in individuals affected with Bohring-Opitz syndrome and no experimental evidence demonstrating its impact on protein function have been reported. No clinical diagnostic laboratories have submitted clinical-significance assessments for this variant to ClinVar after 2014. Based on the evidence outlined above, the variant was classified as likely pathogenic.

NM_015338.6(ASXL1):c.3637del (p.Leu1213fs)

Gene: ASXL1 (ASXL transcriptional regulator 1; plus strand). Cytogenetic location: 20q11.21.
Variant type: Deletion.
Coding change: c.3637del on transcript NM_015338.6 (MANE Select); coding-DNA position 3637, one base deleted (C; older notation c.3637delC).
Protein change: p.Leu1213fs; shifts the reading frame from leucine 1213.
Molecular consequence: frameshift variant.
Genome position (GRCh38, 1-based): chr20:32,436,349, C deleted; the last of 3 consecutive C bases (chr20:32,436,347-32,436,349); deleting any one gives the same sequence. VCF-style (leftmost placement, unchanged base first): chr20-32436346-TC-T. GRCh37 (hg19) VCF-style: chr20-31024149-TC-T.
Other names: c.3454del, p.Leu1152fs (NM_001363734.1); c.3637delC (NM_015338.5); short protein forms L1213fs, L1152fs.
Identifiers: ClinVar variation 632647 (VCV000632647.1), dbSNP rs1569337176, ClinGen allele CA645612970.
Genomic context (GRCh38, chr20:32,436,346, plus strand): 5'-GAGGCCACCCAGGCTCCTGGAGCACCCCAAAAGAATTGCAAGGCAGTCCCAAGTTTTGAC[TC>T]CCTCCATCCAGTGACAAATCCCATTACATCCTCTAGGAAACTGGAAGAAATGGATTCCAA-3'